The following is an entry in ClinVar:

GRCh37/hg19 8p23.3-23.2(chr8:158049-5033424)x1

Genes: ARHGEF10 (Rho guanine nucleotide exchange factor 10; plus strand), CLN8 (CLN8 transmembrane ER and ERGIC protein; plus strand), CSMD1 (CUB and Sushi multiple domains 1; minus strand), DLGAP2 (DLG associated protein 2; plus strand), ERICH1 (glutamate rich 1; minus strand) and 5 more. Cytogenetic location: 8p23.3-23.2.
Variant type: copy number loss.
Change: copy number 1 (one copy instead of two) of chr8:158,049-5,033,424 (4.88 Mb, GRCh37 coordinates, 1-based), cytogenetic band 8p23.3-23.2.
Identifiers: ClinVar variation 1807783 (VCV001807783.1).

ClinVar aggregate classification (germline): Pathogenic (1 of 4 stars; one submission).

Submission:

Quest Diagnostics Nichols Institute San Juan Capistrano
Classification: Pathogenic. Last evaluated: 2021-10-12. Review status: criteria provided, single submitter. Criteria: ACMG/ClinGen CNV Guidelines, 2019. Collection method: clinical testing. Allele origin: unknown.
Comment: The copy number loss of terminal 8p23.3p23.1 involves multiple protein coding genes, including DLGAP2 (OMIM 605438), CLN8 (OMIM 607837), ARHGEF10 (OMIM 608136), and CSMD1 (OMIM 608397) and is xpected to cause phenotypic and/or developmental abnormalities. Patients with comparable or smaller deletions of this region have a variable phenotype, including developmental delay and/or intellectual disability, neurobehavioral disorders, and craniofacial abnormalities. Congenital anomalies such as heart defects and diaphragmatic hernia were also reported in some patients (Shi 2017; Burnside 2013; Chien 2010; Kumar 2018). DLGAP2, CLN8, ARHGEF10, and CSMD1 are candidate genes for the deletion phenotype (Shi 2017), among which, DLGAP2 is suggested to be the strongest candidate for the neurodevelopmental/behavioral phenotypes (Catusi 2021). References Burnside et al. Am J Med Genet A. 2013 Apr;161A(4):822-8. PMID: 23495222. Catusi et al., Genes (Basel). 2021 Apr 27;12(5):652. PMID: 33925474. Chien et al. Clin Genet. 2010 Nov;78(5):449-56. PMID: 20236125. Connaughton et al., Am J Hum Genet. 2020 Oct 1;107(4):727-742. PMID: 32891193. Der Kaloustian et al. Am J Med Genet A. 2011 Oct;155A(10):2538-42. PMID: 22043489. Kumar et al., J Pediatr Genet. 2018 Sep;7(3):125-129. PMID: 30105121. Shi et al. Mol Med Rep. 2017 Nov;16(5):6837-6845. PMID: 28901431.